The following is an entry in ClinVar:

NM_018676.4(THSD1):c.2218C>T (p.Leu740Phe)

Gene: THSD1 (thrombospondin type 1 domain containing 1; minus strand). Cytogenetic location: 13q14.3.
Variant type: single nucleotide variant.
Coding change: c.2218C>T on transcript NM_018676.4 (MANE Select); coding-DNA position 2218, C replaced by T.
Protein change: p.Leu740Phe; replaces leucine 740 with phenylalanine.
Molecular consequence: missense variant.
Genome position (GRCh38, 1-based): chr13:52,377,752, G>A on the plus strand (C>T on the coding strand, the complement: THSD1 is on the minus strand). VCF-style: chr13-52377752-G-A. GRCh37 (hg19) VCF-style: chr13-52951887-G-A.
Other names: c.2059C>T, p.Leu687Phe (NM_199263.3); short protein forms L687F, L740F.
Identifiers: ClinVar variation 3026576 (VCV003026576.22), dbSNP rs2547596188, ClinGen allele CA388016392.
Genomic context (GRCh38, chr13:52,377,752, plus strand): 5'-GAGCTCTGTGGGGCTCTGTTCTCTCAATTCCGGCCACTAATCCTGCCTGGTGATCCCCAA[G>A]GTCTGGTTTCCTCAAGGGCTGCCCCAAAGTGTAGGATTTAGGGAGAGGGTTTAATGGACC-3'
Protein context (NP_061146.1, residues 730-750): TLGQPLRKPD[Leu740Phe]GDHQAGLVAG

ClinVar aggregate classification (germline): Uncertain significance (1 of 4 stars; one submission).

Allele frequency attached by ClinVar (database versions not stated): gnomAD exomes below 0.00001.
gnomAD v4.1: 3 of 1,614,136 alleles (0.00019%); highest among the groups gnomAD compares: South Asian, 0.0011%; no homozygotes.

Submission:

CeGaT Center for Human Genetics Tuebingen
Classification: Uncertain significance. Last evaluated: 2023-12-01. Review status: criteria provided, single submitter. Criteria: CeGaT Center For Human Genetics Tuebingen Variant Classification Criteria Version 2. Collection method: clinical testing. Allele origin: germline. Affected: yes. Observed: 1 variant allele.
Comment: THSD1: PM2, BP4